The following is an entry in ClinVar:

ClinVar aggregate classification (germline): Benign. Review status: criteria provided, multiple submitters, no conflicts (2 of 4 stars). 3 submissions from 2 submitters: Benign (3). Last evaluated 2018-01-12.

Conditions:
Severe early-childhood-onset retinal dystrophy (STGD1). Also called: Stargardt macular dystrophy; Juvenile onset macular degeneration; Stargardt disease 1; MACULAR DYSTROPHY WITH FLECKS, TYPE 1; STGD. Identifiers: Orphanet 364055, Orphanet 827, MedGen C1855465, MeSH D000080362, MONDO:0009549, OMIM 248200.
Achromatopsia 3 (ACHM3). Also called: PINGELAPESE BLINDNESS; TOTAL COLORBLINDNESS WITH MYOPIA; ROD MONOCHROMACY 1; ROD MONOCHROMATISM 1; ACHROMATOPSIA WITH MYOPIA. Identifiers: Orphanet 49382, MedGen C1849792, MONDO:0009875, OMIM 262300.

Allele frequency attached by ClinVar (database versions not stated): gnomAD 0.09998 and 0.09910; TOPMed 0.09773; 1000 Genomes Project 0.09784; 1000 Genomes Project 30x 0.09744.

Submissions (3):

Illumina Laboratory Services, Illumina
Classification: Benign for Achromatopsia 3. Last evaluated: 2018-01-12. Review status: criteria provided, single submitter. Criteria: ICSL Variant Classification Criteria 13 December 2019. Collection method: clinical testing. Allele origin: germline.
Comment: This variant was observed in the ICSL laboratory as part of a predisposition screen in an ostensibly healthy population. It had not been previously curated by ICSL or reported in the Human Gene Mutation Database (HGMD: prior to June 1st, 2018), and was therefore a candidate for classification through an automated scoring system. Utilizing variant allele frequency, disease prevalence and penetrance estimates, and inheritance mode, an automated score was calculated to assess if this variant is too frequent to cause the disease. Based on the score and internal cut-off values, a variant classified as benign is not then subjected to further curation. The score for this variant resulted in a classification of benign for this disease.

Illumina Laboratory Services, Illumina
Classification: Benign for Severe early-childhood-onset retinal dystrophy. Last evaluated: 2018-01-12. Review status: criteria provided, single submitter. Criteria: ICSL Variant Classification Criteria 13 December 2019. Collection method: clinical testing. Allele origin: germline.
Comment: the same text as in the submission from Illumina Laboratory Services, Illumina above.

Breakthrough Genomics
Classification: Benign. Review status: criteria provided, single submitter. Criteria: ACMG Guidelines, 2015. Collection method: not provided. Allele origin: germline. Inheritance: Autosomal recessive inheritance. Affected: yes.

NM_019098.4(CNGB3):c.*1638G>A

Gene: CNGB3 (cyclic nucleotide gated channel subunit beta 3; minus strand). Cytogenetic location: 8q21.3.
Variant type: single nucleotide variant.
Coding change: c.*1638G>A on transcript NM_019098.4; 1638 bases downstream of the stop codon, G replaced by A.
Genome position (GRCh38, 1-based): chr8:86,574,166, C>T on the plus strand (G>A on the coding strand, the complement: CNGB3 is on the minus strand). VCF-style: chr8-86574166-C-T. GRCh37 (hg19) VCF-style: chr8-87586394-C-T.
Identifiers: ClinVar variation 363845 (VCV000363845.8), dbSNP rs28471019, ClinGen allele CA10631677.